The following is an entry in ClinVar:

ClinVar aggregate classification (germline): Uncertain significance (1 of 4 stars; one submission).

Conditions:
Hereditary cancer-predisposing syndrome. Also called: Hereditary Cancer Syndrome; Tumor predisposition; Hereditary neoplastic syndrome; Neoplastic Syndromes, Hereditary. Identifiers: Orphanet 140162, MedGen C0027672, MeSH D009386, MONDO:0015356.
Cardiovascular phenotype. Identifiers: MedGen CN230736.

Submission:

Ambry Genetics
Classification: Uncertain significance for Cardiovascular phenotype; Hereditary cancer-predisposing syndrome. Last evaluated: 2024-12-02. Review status: criteria provided, single submitter. Criteria: Ambry Variant Classification Scheme 2023. Collection method: clinical testing. Allele origin: germline.
Comment: The p.R1137S variant (also known as c.3411G>T), located in coding exon 26 of the NF1 gene, results from a G to T substitution at nucleotide position 3411. The arginine at codon 1137 is replaced by serine, an amino acid with dissimilar properties. This amino acid position is conserved. In addition, the in silico prediction for this alteration is inconclusive. Based on the available evidence, the clinical significance of this variant remains unclear.

NM_001042492.3(NF1):c.3411G>T (p.Arg1137Ser)

Gene: NF1 (neurofibromin 1; plus strand). Cytogenetic location: 17q11.2.
Variant type: single nucleotide variant.
Coding change: c.3411G>T on transcript NM_001042492.3 (MANE Select); coding-DNA position 3411, G replaced by T.
Protein change: p.Arg1137Ser; replaces arginine 1137 with serine.
Molecular consequence: missense variant.
Genome position (GRCh38, 1-based): chr17:31,232,796, G>T. VCF-style: chr17-31232796-G-T. GRCh37 (hg19) VCF-style: chr17-29559814-G-T.
Other names: c.3411G>T, p.Arg1137Ser (NM_000267.4); short protein forms R1137S.
Identifiers: ClinVar variation 3404949 (VCV003404949.1).